The following is an entry in ClinVar:

ClinVar aggregate classification (germline): Uncertain significance. Review status: criteria provided, multiple submitters, no conflicts (2 of 4 stars). 3 submissions from 3 submitters: Uncertain significance (2). 1 of the submissions does not count toward it. Last evaluated 2025-01-15.

Conditions:
Cardiomyopathy (CMYO). Also called: Cardiomyopathies. Identifiers: Orphanet 167848, MedGen C0878544, MONDO:0004994, HP:0001638. Inheritance: Various modes of inheritance.
Duchenne muscular dystrophy (DMD). Also called: MUSCULAR DYSTROPHY, PSEUDOHYPERTROPHIC PROGRESSIVE, DUCHENNE TYPE; Duchenne Muscular Dystrophy (DMD). Identifiers: Orphanet 98896, MedGen C0013264, MONDO:0010679, OMIM 310200.
Becker muscular dystrophy (BMD). Also called: MUSCULAR DYSTROPHY, PSEUDOHYPERTROPHIC PROGRESSIVE, BECKER TYPE; Becker Muscular Dystrophy (BMD). Identifiers: Orphanet 98895, MedGen C0917713, MONDO:0010311, OMIM 300376.
Dystrophin deficiency.
Cardiovascular phenotype. Identifiers: MedGen CN230736.

Allele frequency attached by ClinVar (database versions not stated): gnomAD exomes below 0.00001 and 0.00001; ExAC 0.00001; gnomAD 0.00002; TOPMed 0.00004.
gnomAD v4.1: 3 of 1,207,194 alleles (0.00025%); highest among the groups gnomAD compares: African/African-American, 0.0053%; no homozygotes.

Submissions (3):

Labcorp Genetics (formerly Invitae), Labcorp
Classification: Uncertain significance for Duchenne muscular dystrophy. Last evaluated: 2025-01-15. Review status: criteria provided, single submitter. Criteria: Invitae Variant Classification Sherloc (09022015). Collection method: clinical testing. Allele origin: germline.
Comment: This sequence change replaces glutamic acid, which is acidic and polar, with aspartic acid, which is acidic and polar, at codon 1304 of the DMD protein (p.Glu1304Asp). The frequency data for this variant in the population databases is considered unreliable, as metrics indicate poor data quality at this position in the gnomAD database. This variant has not been reported in the literature in individuals affected with DMD-related conditions. ClinVar contains an entry for this variant (Variation ID: 648463). Invitae Evidence Modeling of protein sequence and biophysical properties (such as structural, functional, and spatial information, amino acid conservation, physicochemical variation, residue mobility, and thermodynamic stability) indicates that this missense variant is not expected to disrupt DMD protein function with a negative predictive value of 95%. In summary, the available evidence is currently insufficient to determine the role of this variant in disease. Therefore, it has been classified as a Variant of Uncertain Significance.

Ambry Genetics
Classification: Uncertain significance for Cardiovascular phenotype. Last evaluated: 2021-04-16. Review status: criteria provided, single submitter. Criteria: Ambry Variant Classification Scheme 2023. Collection method: clinical testing. Allele origin: germline.
Comment: The p.E1304D variant (also known as c.3912G>C), located in coding exon 28 of the DMD gene, results from a G to C substitution at nucleotide position 3912. The glutamic acid at codon 1304 is replaced by aspartic acid, an amino acid with highly similar properties. Based on data from gnomAD, the C allele has an overall frequency of <0.01% (2/204564) total alleles studied, with 0 hemizygotes observed. The highest observed frequency was 0.01% (2/19029) of African/ African American alleles. This amino acid position is well conserved in available vertebrate species. In addition, this alteration is predicted to be tolerated by in silico analysis. Since supporting evidence is limited at this time, the clinical significance of this alteration remains unclear.

Natera, Inc.
Classification: Uncertain significance for Becker muscular dystrophy; Cardiomyopathy; Duchenne muscular dystrophy; Dystrophin deficiency. Last evaluated: 2019-01-18. Review status: no assertion criteria provided. Collection method: clinical testing. Allele origin: germline. Not counted in ClinVar's aggregate classification.

NM_004006.3(DMD):c.3912G>C (p.Glu1304Asp)

Gene: DMD (dystrophin; minus strand). Cytogenetic location: Xp21.1.
Variant type: single nucleotide variant.
Coding change: c.3912G>C on transcript NM_004006.3 (MANE Select); coding-DNA position 3912, G replaced by C.
Protein change: p.Glu1304Asp; replaces glutamic acid 1304 with aspartic acid.
Molecular consequence: missense variant.
Genome position (GRCh38, 1-based): chrX:32,441,189, C>G on the plus strand (G>C on the coding strand, the complement: DMD is on the minus strand). VCF-style: chrX-32441189-C-G. GRCh37 (hg19) VCF-style: chrX-32459306-C-G.
Other names: c.3888G>C, p.Glu1296Asp (NM_000109.4); c.3900G>C, p.Glu1300Asp (NM_004009.3); c.3543G>C, p.Glu1181Asp (NM_004010.3); short protein forms E1296D, E1300D, E1181D, E1304D.
Identifiers: ClinVar variation 648463 (VCV000648463.11), dbSNP rs764748376, ClinGen allele CA10379173.